The following is an entry in ClinVar:

NM_001277115.2(DNAH11):c.3898C>A (p.Gln1300Lys)

Gene: DNAH11 (dynein axonemal heavy chain 11; plus strand). Cytogenetic location: 7p15.3.
Variant type: single nucleotide variant.
Coding change: c.3898C>A on transcript NM_001277115.2 (MANE Select); coding-DNA position 3898, C replaced by A.
Protein change: p.Gln1300Lys; replaces glutamine 1300 with lysine.
Molecular consequence: missense variant.
Genome position (GRCh38, 1-based): chr7:21,615,159, C>A. VCF-style: chr7-21615159-C-A. GRCh37 (hg19) VCF-style: chr7-21654777-C-A.
Other names: c.3898C>A (NM_001277115.1); short protein forms Q1300K.
Identifiers: ClinVar variation 1364453 (VCV001364453.8), dbSNP rs375160708, ClinGen allele CA155104049.

ClinVar aggregate classification (germline): Conflicting classifications of pathogenicity. Review status: criteria provided, conflicting classifications (1 of 4 stars). 3 submissions from 3 submitters: Uncertain significance (2); Likely benign (1). Last evaluated 2025-06-16.

Conditions:
Primary ciliary dyskinesia. Also called: Ciliary dyskinesia. Identifiers: Orphanet 244, MedGen C0008780, MONDO:0016575, HP:0012265.
Primary ciliary dyskinesia 7. Also called: CILIARY DYSKINESIA, PRIMARY, 7, WITH OR WITHOUT SITUS INVERSUS. Identifiers: Orphanet 244, MedGen C2678473, MONDO:0012748, OMIM 611884.

Allele frequency attached by ClinVar (database versions not stated): TOPMed 0.00001; ESP Exome Variant Server 0.00008.
gnomAD v4.1: 22 of 1,612,620 alleles (0.0014%); highest among the groups gnomAD compares: Non-Finnish European, 0.0017%; no homozygotes.

Submissions (3):

ARUP Laboratories, Molecular Genetics and Genomics, ARUP Laboratories
Classification: Uncertain significance for Primary ciliary dyskinesia 7. Last evaluated: 2025-06-16. Review status: criteria provided, single submitter. Criteria: ARUP Molecular Germline Variant Investigation Process 2024. Collection method: clinical testing. Allele origin: germline.
Comment: The DNAH11 c.3898C>A; p.Gln1300Lys (rs375160708), to our knowledge, is not reported in the medical literature but is reported in ClinVar (Variation ID: 1364453). This variant is only observed on one allele in the Genome Aggregation Database (v2.1.1), indicating it is not a common polymorphism. Computational analyses predict that this variant is neutral (REVEL: 0.146). Due to limited information, the clinical significance of this variant is uncertain at this time.

Labcorp Genetics (formerly Invitae), Labcorp
Classification: Likely benign for Primary ciliary dyskinesia. Last evaluated: 2023-11-21. Review status: criteria provided, single submitter. Criteria: Invitae Variant Classification Sherloc (09022015). Collection method: clinical testing. Allele origin: germline.

Ambry Genetics
Classification: Uncertain significance for Primary ciliary dyskinesia. Last evaluated: 2022-07-20. Review status: criteria provided, single submitter. Criteria: Ambry Variant Classification Scheme 2023. Collection method: clinical testing. Allele origin: germline.